The following is an entry in ClinVar:

NM_024422.6(DSC2):c.2605G>C (p.Val869Leu)

Gene: DSC2 (desmocollin 2; minus strand). Cytogenetic location: 18q12.1.
Variant type: single nucleotide variant.
Coding change: c.2605G>C on transcript NM_024422.6 (MANE Select); coding-DNA position 2605, G replaced by C.
Protein change: p.Val869Leu; replaces valine 869 with leucine.
Molecular consequence: missense variant. On other transcripts: 3 prime UTR variant (2).
Genome position (GRCh38, 1-based): chr18:31,068,116, C>G on the plus strand (G>C on the coding strand, the complement: DSC2 is on the minus strand). VCF-style: chr18-31068116-C-G. GRCh37 (hg19) VCF-style: chr18-28648082-C-G.
Other names: c.2176G>C, p.Val726Leu (NM_001406506.1); c.*107G>C (NM_001406507.1, NM_004949.5); short protein forms V726L, V869L.
Identifiers: ClinVar variation 4715747 (VCV004715747.1).
Genomic context (GRCh38, chr18:31,068,116, plus strand): 5'-GCTCCAAATTATCCAAAAATTCAAGCCCATCTTCTTCTTGTCGTTCACTGCAACAACCTA[C>G]AGACCCAGCCACCGATCCTCTTCCTTCATAGTTATATGTCAGGACATAGTCTTGGGCATG-3'
Protein context (NP_077740.1, residues 859-879): YEGRGSVAGS[Val869Leu]GCCSERQEED

ClinVar aggregate classification (germline): Uncertain significance (1 of 4 stars; one submission).

Conditions:
Arrhythmogenic right ventricular dysplasia 11. Also called: ARRHYTHMOGENIC RIGHT VENTRICULAR DYSPLASIA, FAMILIAL, 11; Arrhythmogenic Right Ventricular Dysplasia/Cardiomyopathy11; Arrhythmogenic right ventricular dysplasia 11 with mild palmoplantar keratoderma and woolly hair. Identifiers: MedGen C1864850, MONDO:0012506, OMIM 610476.

gnomAD v4.1: 3 of 1,613,978 alleles (0.00019%); highest among the groups gnomAD compares: Admixed American, 0.0017%; no homozygotes.

Submission:

Labcorp Genetics (formerly Invitae), Labcorp
Classification: Uncertain significance for Arrhythmogenic right ventricular dysplasia 11. Last evaluated: 2025-06-16. Review status: criteria provided, single submitter. Criteria: Invitae Variant Classification Sherloc (09022015). Collection method: clinical testing. Allele origin: germline.
Comment: This sequence change replaces valine, which is neutral and non-polar, with leucine, which is neutral and non-polar, at codon 869 of the DSC2 protein (p.Val869Leu). This variant is not present in population databases (gnomAD no frequency). This variant has not been reported in the literature in individuals affected with DSC2-related conditions. An algorithm developed to predict the effect of missense changes on protein structure and function (PolyPhen-2) suggests that this variant is likely to be disruptive. In summary, the available evidence is currently insufficient to determine the role of this variant in disease. Therefore, it has been classified as a Variant of Uncertain Significance.